The following is an entry in ClinVar:

NM_005327.7(HADH):c.740C>T (p.Ala247Val)

Gene: HADH (hydroxyacyl-CoA dehydrogenase; plus strand). Cytogenetic location: 4q25.
Variant type: single nucleotide variant.
Coding change: c.740C>T on transcript NM_005327.7 (MANE Select); coding-DNA position 740, C replaced by T.
Protein change: p.Ala247Val; replaces alanine 247 with valine.
Molecular consequence: missense variant.
Genome position (GRCh38, 1-based): chr4:108,033,206, C>T. VCF-style: chr4-108033206-C-T. GRCh37 (hg19) VCF-style: chr4-108954362-C-T.
Other names: c.791C>T, p.Ala264Val (NM_001184705.4); c.752C>T, p.Ala251Val (NM_001331027.2); short protein forms A247V, A251V, A264V.
Identifiers: ClinVar variation 1007414 (VCV001007414.2), dbSNP rs1736337431, ClinGen allele CA357830152.

ClinVar aggregate classification (germline): Uncertain significance/Uncertain risk allele. Review status: criteria provided, multiple submitters, no conflicts (2 of 4 stars). 2 submissions from 2 submitters: Uncertain significance (1); Uncertain risk allele (1). Last evaluated 2020-09-14.

Conditions:
Hyperinsulinemic hypoglycemia. Also called: Hyperinsulinemia hypoglycemia; Hyperinsulinemic hypoglycemia (disease). Identifiers: Orphanet 443095, MedGen C1864903, MONDO:0005803, HP:0000825.
Deficiency of 3-hydroxyacyl-CoA dehydrogenase. Also called: 3-hydroxyacyl-CoA dehydrogenase deficiency; HADH DEFICIENCY. Identifiers: Orphanet 309127, Orphanet 71212, MedGen C1291230, MONDO:0017715, OMIM 231530.

Submissions (2):

Labcorp Genetics (formerly Invitae), Labcorp
Classification: Uncertain significance for Deficiency of 3-hydroxyacyl-CoA dehydrogenase. Last evaluated: 2020-09-14. Review status: criteria provided, single submitter. Criteria: Invitae Variant Classification Sherloc (09022015). Collection method: clinical testing. Allele origin: germline.
Comment: This sequence change replaces alanine with valine at codon 247 of the HADH protein (p.Ala247Val). The alanine residue is highly conserved and there is a small physicochemical difference between alanine and valine. This variant is not present in population databases (ExAC no frequency). This variant has not been reported in the literature in individuals with HADH-related conditions. Algorithms developed to predict the effect of missense changes on protein structure and function (SIFT, PolyPhen-2, Align-GVGD) all suggest that this variant is likely to be disruptive, but these predictions have not been confirmed by published functional studies and their clinical significance is uncertain. In summary, the available evidence is currently insufficient to determine the role of this variant in disease. Therefore, it has been classified as a Variant of Uncertain Significance.

Clinical Genomics, Uppaluri K&H Personalized Medicine Clinic
Classification: Uncertain risk allele for Hyperinsulinemic hypoglycemia. Review status: criteria provided, single submitter. Criteria: K & H Uppaluri Personalized Medicine Clinic Variant Classification & Assertion Criteria_Updated V.1. Collection method: research. Allele origin: unknown. Inheritance: Autosomal recessive inheritance.
Comment: Potent mutations in HADH gene are associated with congenital hyperinsulinism, which leads to recurrent hypoglycemia. The condition is exacerbated by stress, fasting or excessive dietary protein. May respond well to diazoxide. However, the role of this particular variant rs1736337431 in congenital hyperinsulinism is yet to be ascertained.

Literature cited by the submitters: PubMed 34547194 (cited by Clinical Genomics, Uppaluri K&H Personalized Medicine Clinic); PubMed 34055426 (cited by Clinical Genomics, Uppaluri K&H Personalized Medicine Clinic); PubMed 29280746 (cited by Clinical Genomics, Uppaluri K&H Personalized Medicine Clinic).